The following is an entry in ClinVar:

NM_000304.4(PMP22):c.227del (p.Ser76fs)

Gene: PMP22 (peripheral myelin protein 22; minus strand). Cytogenetic location: 17p12.
Variant type: Deletion.
Coding change: c.227del on transcript NM_000304.4 (MANE Select); coding-DNA position 227, one base deleted (G; older notation c.227delG).
Protein change: p.Ser76fs; shifts the reading frame from serine 76.
Molecular consequence: frameshift variant. On other transcripts: non-coding transcript variant (2).
Genome position (GRCh38, 1-based): chr17:15,239,563, C deleted on the plus strand (G on the coding strand, the reverse complement: PMP22 is on the minus strand). VCF-style (leftmost placement, unchanged base first): chr17-15239562-GC-G. GRCh37 (hg19) VCF-style: chr17-15142879-GC-G.
Other names: c.227del, p.Ser76fs (NM_001281455.2, NM_001281456.2, NM_001330143.2 and 2 more transcripts); short protein forms S76fs.
Identifiers: ClinVar variation 637372 (VCV000637372.5), dbSNP rs1597608057, ClinGen allele CA915949583.

ClinVar aggregate classification (germline): Pathogenic. Review status: criteria provided, single submitter (1 of 4 stars). 2 submissions from 2 submitters: Pathogenic (1). 1 of the submissions does not count toward it. Last evaluated 2022-11-07.

Conditions:
Charcot-Marie-Tooth disease, type I (CMT1). Also called: Charcot-Marie-Tooth disease type 1; Charcot-Marie-Tooth, Type 1. Identifiers: Orphanet 65753, MedGen C0751036, MONDO:0019011.
Charcot-Marie-Tooth disease. Also called: Charcot-Marie-Tooth Hereditary Neuropathy; Charcot-Marie-Tooth Neuropathy. Identifiers: Orphanet 166, MedGen C0007959, MONDO:0015626.

Submissions (2):

Labcorp Genetics (formerly Invitae), Labcorp
Classification: Pathogenic for Charcot-Marie-Tooth disease, type I. Last evaluated: 2022-11-07. Review status: criteria provided, single submitter. Criteria: Invitae Variant Classification Sherloc (09022015). Collection method: clinical testing. Allele origin: germline.
Comment: For these reasons, this variant has been classified as Pathogenic. This variant disrupts a region of the PMP22 protein in which other variant(s) (p.Leu145Argfs*10) have been determined to be pathogenic (PMID: 21149811, 21252112, 23965407). This suggests that this is a clinically significant region of the protein, and that variants that disrupt it are likely to be disease-causing. ClinVar contains an entry for this variant (Variation ID: 637372). This premature translational stop signal has been observed in individual(s) with PMP22-related conditions (PMID: 18642376). It has also been observed to segregate with disease in related individuals. This variant is not present in population databases (gnomAD no frequency). This sequence change creates a premature translational stop signal (p.Ser76Thrfs*35) in the PMP22 gene. While this is not anticipated to result in nonsense mediated decay, it is expected to disrupt the last 85 amino acid(s) of the PMP22 protein.

Inherited Neuropathy Consortium
Classification: Uncertain significance for Charcot-Marie-Tooth disease. Review status: no assertion criteria provided. Collection method: literature only. Allele origin: germline. Affected: yes. Not counted in ClinVar's aggregate classification.

Literature cited by the submitters: PubMed 21149811 (cited by Labcorp Genetics (formerly Invitae), Labcorp); PubMed 21252112 (cited by Labcorp Genetics (formerly Invitae), Labcorp); PubMed 23965407 (cited by Labcorp Genetics (formerly Invitae), Labcorp); PubMed 18642376 (cited by Labcorp Genetics (formerly Invitae), Labcorp and Inherited Neuropathy Consortium).